The following is an entry in ClinVar:

NM_013447.4(ADGRE2):c.967C>G (p.Arg323Gly)

Gene: ADGRE2 (adhesion G protein-coupled receptor E2; minus strand). Cytogenetic location: 19p13.12.
Variant type: single nucleotide variant.
Coding change: c.967C>G on transcript NM_013447.4 (MANE Select); coding-DNA position 967, C replaced by G.
Protein change: p.Arg323Gly; replaces arginine 323 with glycine.
Molecular consequence: missense variant.
Genome position (GRCh38, 1-based): chr19:14,764,550, G>C on the plus strand (C>G on the coding strand, the complement: ADGRE2 is on the minus strand). VCF-style: chr19-14764550-G-C. GRCh37 (hg19) VCF-style: chr19-14875362-G-C.
Other names: c.967C>G, p.Arg323Gly (NM_001271052.1); c.820C>G, p.Arg274Gly (NM_152916.2); c.688C>G, p.Arg230Gly (NM_152917.2); short protein forms R274G, R230G, R323G.
Identifiers: ClinVar variation 2150303 (VCV002150303.4), dbSNP rs200037098, ClinGen allele CA9257834.
Genomic context (GRCh38, chr19:14,764,550, plus strand): 5'-CTCTGAGGACATCCTCTAGGCCATCCAGCAGGTGACTGGCCACACAGTGCTGCTGTAAGC[G>C]GGGCAGGGTCTCCAGGTCCCCAGGGGCCTCCAGCAGCTCATCCAGCGCCTGTAAGATGCT-3'
Protein context (NP_038475.2, residues 313-333): EAPGDLETLP[Arg323Gly]LQQHCVASHL

ClinVar aggregate classification (germline): Uncertain significance (1 of 4 stars; one submission).

Allele frequency attached by ClinVar (database versions not stated): 1000 Genomes Project 30x 0.00031; 1000 Genomes Project 0.00040.
gnomAD v4.1: 148 of 1,612,932 alleles (0.0092%); highest among the groups gnomAD compares: Non-Finnish European, 0.011%; no homozygotes.

Submission:

Labcorp Genetics (formerly Invitae), Labcorp
Classification: Uncertain significance. Last evaluated: 2025-11-06. Review status: criteria provided, single submitter. Criteria: Invitae Variant Classification Sherloc (09022015). Collection method: clinical testing. Allele origin: germline.
Comment: This sequence change replaces arginine, which is basic and polar, with glycine, which is neutral and non-polar, at codon 323 of the ADGRE2 protein (p.Arg323Gly). This variant is present in population databases (rs200037098, gnomAD 0.02%). This variant has not been reported in the literature in individuals affected with ADGRE2-related conditions. ClinVar contains an entry for this variant (Variation ID: 2150303). An algorithm developed to predict the effect of missense changes on protein structure and function (PolyPhen-2) suggests that this variant is likely to be tolerated. In summary, the available evidence is currently insufficient to determine the role of this variant in disease. Therefore, it has been classified as a Variant of Uncertain Significance.